The following is an entry in ClinVar:

ClinVar aggregate classification (germline): Uncertain significance (1 of 4 stars; one submission).

Conditions:
Catecholaminergic polymorphic ventricular tachycardia 1. Also called: VENTRICULAR TACHYCARDIA, CATECHOLAMINERGIC POLYMORPHIC, 1, WITH OR WITHOUT ATRIAL DYSFUNCTION AND/OR DILATED CARDIOMYOPATHY; VENTRICULAR TACHYCARDIA, STRESS-INDUCED POLYMORPHIC 1; RYR2-Related Catecholaminergic Polymorphic Ventricular Tachycardia. Identifiers: Orphanet 3286, MedGen C1631597, MONDO:0011484, OMIM 604772.

gnomAD v4.1: 2 of 1,613,962 alleles (0.00012%); highest among the groups gnomAD compares: Non-Finnish European, 0.00017%; no homozygotes.

Submission:

Labcorp Genetics (formerly Invitae), Labcorp
Classification: Uncertain significance for Catecholaminergic polymorphic ventricular tachycardia 1. Last evaluated: 2021-08-14. Review status: criteria provided, single submitter. Criteria: Invitae Variant Classification Sherloc (09022015). Collection method: clinical testing. Allele origin: germline.
Comment: Advanced modeling of protein sequence and biophysical properties (such as structural, functional, and spatial information, amino acid conservation, physicochemical variation, residue mobility, and thermodynamic stability) performed at Invitae indicates that this missense variant is not expected to disrupt RYR2 protein function. In summary, the available evidence is currently insufficient to determine the role of this variant in disease. Therefore, it has been classified as a Variant of Uncertain Significance. This variant has not been reported in the literature in individuals affected with RYR2-related conditions. This variant is present in population databases (rs149514924, ExAC 0.002%). This sequence change replaces arginine with leucine at codon 1013 of the RYR2 protein (p.Arg1013Leu). The arginine residue is highly conserved and there is a moderate physicochemical difference between arginine and leucine.

NM_001035.3(RYR2):c.3038G>T (p.Arg1013Leu)

Gene: RYR2 (ryanodine receptor 2; plus strand). Cytogenetic location: 1q43.
Variant type: single nucleotide variant.
Coding change: c.3038G>T on transcript NM_001035.3 (MANE Select); coding-DNA position 3038, G replaced by T.
Protein change: p.Arg1013Leu; replaces arginine 1013 with leucine.
Molecular consequence: missense variant.
Genome position (GRCh38, 1-based): chr1:237,548,562, G>T. VCF-style: chr1-237548562-G-T. GRCh37 (hg19) VCF-style: chr1-237711862-G-T.
Other names: short protein forms R1013L.
Identifiers: ClinVar variation 1390826 (VCV001390826.7), dbSNP rs149514924, ClinGen allele CA086272.